The following is an entry in ClinVar:

ClinVar aggregate classification (germline): drug response. Review status: reviewed by expert panel (3 of 4 stars). 2 submissions from 2 submitters: drug response (1). 1 of the submissions does not count toward it. Last evaluated 2021-03-24.

Conditions:
Cystic fibrosis (CF). Also called: MUCOVISCIDOSIS. Identifiers: Orphanet 586, MedGen C0010674, MONDO:0009061, OMIM 219700. Disease mechanism: loss of function.
ivacaftor response - Efficacy. Identifiers: MedGen CN322735.

Submissions (2):

ClinPGx
Classification: drug response for ivacaftor response - Efficacy. Last evaluated: 2021-03-24. Review status: reviewed by expert panel. Criteria: Pharmacogenomics knowledge for personalized medicine. Collection method: curation. Allele origin: germline. Affected: yes.
Comment: PharmGKB Level of Evidence 1A: Level 1A clinical annotations describe variant-drug combinations that have variant-specific prescribing guidance available in a current clinical guideline annotation or an FDA-approved drug label annotation. Annotations of drug labels or clinical guidelines must give prescribing guidance for specific variants (e.g. CYP2C9*3, HLA-B*57:01) or provide mapping from defined allele functions to diplotypes and phenotypes to be used as supporting evidence for a level 1A clinical annotation. Level 1A clinical annotations must also be supported by at least one publication in addition to a clinical guideline or drug label with variant-specific prescribing guidance.

Drug is not necessarily used to treat response condition

ClinVar Staff, National Center for Biotechnology Information (NCBI)
No classification provided. Condition: CFTR-related disorders. Review status: no classification provided. Collection method: literature only. Allele origin: germline. Affected: yes. Not counted in ClinVar's aggregate classification.

Literature cited by the submitters: PubMed 23891399 (cited by ClinPGx); PubMed 7532150 (cited by ClinVar Staff, National Center for Biotechnology Information (NCBI)).

NM_000492.4(CFTR):c.3179A>C (p.Lys1060Thr)

Genes: CFTR (CF transmembrane conductance regulator; plus strand), CFTR-AS2 (CFTR antisense RNA 2; minus strand), LOC111674472 (DNase I hypersensitive sites in introns 16 and 17a of CFTR; plus strand). Cytogenetic location: 7q31.2.
Variant type: single nucleotide variant.
Coding change: c.3179A>C on transcript NM_000492.4 (MANE Select); coding-DNA position 3179, A replaced by C.
Protein change: p.Lys1060Thr; replaces lysine 1060 with threonine.
Molecular consequence: missense variant.
Genome position (GRCh38, 1-based): chr7:117,611,620, A>C. VCF-style: chr7-117611620-A-C. GRCh37 (hg19) VCF-style: chr7-117251674-A-C.
Other names: short protein forms K1060T.
Identifiers: ClinVar variation 53671 (VCV000053671.3), dbSNP rs397508513, ClinGen allele CA327078.